The following is an entry in ClinVar:

NM_031942.5(CDCA7):c.328G>C (p.Asp110His)

Gene: CDCA7 (cell division cycle associated 7; plus strand). Cytogenetic location: 2q31.1.
Variant type: single nucleotide variant.
Coding change: c.328G>C on transcript NM_031942.5 (MANE Select); coding-DNA position 328, G replaced by C.
Protein change: p.Asp110His; replaces aspartic acid 110 with histidine.
Molecular consequence: missense variant. On other transcripts: intron variant (1).
Genome position (GRCh38, 1-based): chr2:173,359,435, G>C. VCF-style: chr2-173359435-G-C. GRCh37 (hg19) VCF-style: chr2-174224163-G-C.
Other names: c.147+598G>C (NM_145810.3); short protein forms D110H.
Identifiers: ClinVar variation 1408241 (VCV001408241.6), dbSNP rs751813434, ClinGen allele CA349322219.

ClinVar aggregate classification (germline): Uncertain significance (1 of 4 stars; one submission).

Submission:

Labcorp Genetics (formerly Invitae), Labcorp
Classification: Uncertain significance. Last evaluated: 2021-07-30. Review status: criteria provided, single submitter. Criteria: Invitae Variant Classification Sherloc (09022015). Collection method: clinical testing. Allele origin: germline.
Comment: This sequence change replaces aspartic acid with histidine at codon 110 of the CDCA7 protein (p.Asp110His). The aspartic acid residue is weakly conserved and there is a moderate physicochemical difference between aspartic acid and histidine. This variant is not present in population databases (ExAC no frequency). This variant has not been reported in the literature in individuals affected with CDCA7-related conditions. Algorithms developed to predict the effect of missense changes on protein structure and function are either unavailable or do not agree on the potential impact of this missense change (SIFT: "Deleterious"; PolyPhen-2: "Probably Damaging"; Align-GVGD: "Class C0"). In summary, the available evidence is currently insufficient to determine the role of this variant in disease. Therefore, it has been classified as a Variant of Uncertain Significance.